The following continues an entry in ClinVar:

NM_000088.4(COL1A1):c.1984-5C>A

Gene: COL1A1. ClinVar aggregate classification (germline): Conflicting classifications of pathogenicity. Uncertain significance (3); Benign (10); Likely benign (7).

Submissions 22 to 35 of 35:

Clinical Genetics DNA and cytogenetics Diagnostics Lab, Erasmus MC, Erasmus Medical Center
Classification: Likely benign. Review status: no assertion criteria provided. Collection method: clinical testing. Allele origin: germline. Affected: yes. Study: VKGL Data-share Consensus. Not counted in ClinVar's aggregate classification.

Dr. Peter K. Rogan Lab, Western University
No classification provided (evidence only). Condition: Clear cell carcinoma of kidney. Review status: no classification provided. Collection method: in vitro. Allele origin: not applicable. Functional consequence: retained intron. Not counted in ClinVar's aggregate classification.

Dr. Peter K. Rogan Lab, Western University
No classification provided (evidence only). Condition: Lung cancer. Review status: no classification provided. Collection method: in vitro. Allele origin: not applicable. Functional consequence: retained intron. Not counted in ClinVar's aggregate classification.

Dr. Peter K. Rogan Lab, Western University
No classification provided (evidence only). Condition: Lung cancer. Review status: no classification provided. Collection method: in vitro. Allele origin: not applicable. Functional consequence: retained intron. Not counted in ClinVar's aggregate classification.

Dr. Peter K. Rogan Lab, Western University
No classification provided (evidence only). Condition: Lung cancer. Review status: no classification provided. Collection method: in vitro. Allele origin: not applicable. Functional consequence: retained intron. Not counted in ClinVar's aggregate classification.

Dr. Peter K. Rogan Lab, Western University
No classification provided (evidence only). Condition: Familial cancer of breast. Review status: no classification provided. Collection method: in vitro. Allele origin: not applicable. Functional consequence: retained intron. Not counted in ClinVar's aggregate classification.

Dr. Peter K. Rogan Lab, Western University
No classification provided (evidence only). Condition: Colon adenocarcinoma. Review status: no classification provided. Collection method: in vitro. Allele origin: not applicable. Functional consequence: retained intron. Not counted in ClinVar's aggregate classification.

Dr. Peter K. Rogan Lab, Western University
No classification provided (evidence only). Condition: Cervical cancer. Review status: no classification provided. Collection method: in vitro. Allele origin: not applicable. Functional consequence: retained intron. Not counted in ClinVar's aggregate classification.

Dr. Peter K. Rogan Lab, Western University
No classification provided (evidence only). Condition: Thymoma. Review status: no classification provided. Collection method: in vitro. Allele origin: not applicable. Functional consequence: retained intron. Not counted in ClinVar's aggregate classification.

Dr. Peter K. Rogan Lab, Western University
No classification provided (evidence only). Condition: Ovarian serous cystadenocarcinoma. Review status: no classification provided. Collection method: in vitro. Allele origin: not applicable. Functional consequence: retained intron. Not counted in ClinVar's aggregate classification.

Dr. Peter K. Rogan Lab, Western University
No classification provided (evidence only). Condition: Gastric cancer. Review status: no classification provided. Collection method: in vitro. Allele origin: not applicable. Functional consequence: retained intron. Not counted in ClinVar's aggregate classification.

Genome Diagnostics Laboratory, Amsterdam University Medical Center
Classification: Benign. Review status: no assertion criteria provided. Collection method: clinical testing. Allele origin: germline. Affected: yes. Study: VKGL Data-share Consensus. Not counted in ClinVar's aggregate classification.

Genome Diagnostics Laboratory, University Medical Center Utrecht
Classification: Benign. Review status: no assertion criteria provided. Collection method: clinical testing. Allele origin: germline. Affected: yes. Study: VKGL Data-share Consensus. Not counted in ClinVar's aggregate classification.

Laboratory of Diagnostic Genome Analysis, Leiden University Medical Center (LUMC)
Classification: Likely benign. Review status: no assertion criteria provided. Collection method: clinical testing. Allele origin: germline. Affected: yes. Study: VKGL Data-share Consensus. Not counted in ClinVar's aggregate classification.

Literature cited by the submitters: PubMed 16879195 (cited by Women's Health and Genetics/Laboratory Corporation of America, LabCorp and Athena Diagnostics); PubMed 25963598 (cited by Women's Health and Genetics/Laboratory Corporation of America, LabCorp and Athena Diagnostics); PubMed 25525159 (cited by Athena Diagnostics).